The following is an entry in ClinVar:

ClinVar aggregate classification (germline): Uncertain significance (1 of 4 stars; one submission).

Submission:

Labcorp Genetics (formerly Invitae), Labcorp
Classification: Uncertain significance. Last evaluated: 2021-06-02. Review status: criteria provided, single submitter. Criteria: Invitae Variant Classification Sherloc (09022015). Collection method: clinical testing. Allele origin: germline.
Comment: This sequence change replaces arginine with serine at codon 270 of the CAD protein (p.Arg270Ser). The arginine residue is moderately conserved and there is a moderate physicochemical difference between arginine and serine. This variant is not present in population databases (ExAC no frequency). This variant has not been reported in the literature in individuals with CAD-related conditions. Algorithms developed to predict the effect of missense changes on protein structure and function are either unavailable or do not agree on the potential impact of this missense change (SIFT: "Deleterious"; PolyPhen-2: "Benign"; Align-GVGD: "Class C0"). Algorithms developed to predict the effect of sequence changes on RNA splicing suggest that this variant may disrupt the consensus splice site, but this prediction has not been confirmed by published transcriptional studies. In summary, the available evidence is currently insufficient to determine the role of this variant in disease. Therefore, it has been classified as a Variant of Uncertain Significance.

NM_004341.5(CAD):c.810A>T (p.Arg270Ser)

Gene: CAD (carbamoyl-phosphate synthetase 2, aspartate transcarbamylase, and dihydroorotase; plus strand). Cytogenetic location: 2p23.3.
Variant type: single nucleotide variant.
Coding change: c.810A>T on transcript NM_004341.5 (MANE Select); coding-DNA position 810, A replaced by T.
Protein change: p.Arg270Ser; replaces arginine 270 with serine.
Molecular consequence: missense variant.
Genome position (GRCh38, 1-based): chr2:27,223,563, A>T. VCF-style: chr2-27223563-A-T. GRCh37 (hg19) VCF-style: chr2-27446431-A-T.
Other names: c.810A>T, p.Arg270Ser (NM_001306079.2); short protein forms R270S.
Identifiers: ClinVar variation 1464272 (VCV001464272.8), dbSNP rs1428226114, ClinGen allele CA346201464.
Genomic context (GRCh38, chr2:27,223,563, plus strand): 5'-AGGTTCAGTAGTGAAGAGAGGGTGAGCAGGGCCTGTGACTCGGCATGCTTCTACCTCCAG[A>T]TATGGGAACCGAGGCCATAACCAGCCCTGCTTGTTGGTGGGCTCTGGGCGCTGCTTTCTG-3'
Protein context (NP_004332.2, residues 260-280): LAIGAKTYKM[Arg270Ser]YGNRGHNQPC